The following is an entry in ClinVar:

NM_001286.5(CLCN6):c.1876C>T (p.Arg626Cys)

Gene: CLCN6 (Cl-/H+ antiporter 6; plus strand). Cytogenetic location: 1p36.22.
Variant type: single nucleotide variant.
Coding change: c.1876C>T on transcript NM_001286.5 (MANE Select); coding-DNA position 1876, C replaced by T.
Protein change: p.Arg626Cys; replaces arginine 626 with cysteine.
Molecular consequence: missense variant. On other transcripts: non-coding transcript variant (1).
Genome position (GRCh38, 1-based): chr1:11,836,049, C>T. VCF-style: chr1-11836049-C-T. GRCh37 (hg19) VCF-style: chr1-11896106-C-T.
Other names: c.1810C>T, p.Arg604Cys (NM_001256959.2); short protein forms R604C, R626C.
Identifiers: ClinVar variation 4775100 (VCV004775100.1).
Genomic context (GRCh38, chr1:11,836,049, plus strand): 5'-GAGCCCAACCTGACCTACGTCTACCCGCACACCCGCATCCAGTCTCTGGTGAGCATCCTG[C>T]GCACCACGGTCCACCATGCCTTCCCGGTGGTCACAGAGAACCGCGGTAACGAGAAGGAGT-3'
Protein context (NP_001277.2, residues 616-636): TRIQSLVSIL[Arg626Cys]TTVHHAFPVV

ClinVar aggregate classification (germline): Uncertain significance (1 of 4 stars; one submission).

gnomAD v4.1: 2 of 1,613,924 alleles (0.00012%); highest among the groups gnomAD compares: East Asian, 0.0022%; no homozygotes.

Submission:

Labcorp Genetics (formerly Invitae), Labcorp
Classification: Uncertain significance. Last evaluated: 2025-09-17. Review status: criteria provided, single submitter. Criteria: Invitae Variant Classification Sherloc (09022015). Collection method: clinical testing. Allele origin: germline.
Comment: This sequence change replaces arginine, which is basic and polar, with cysteine, which is neutral and slightly polar, at codon 626 of the CLCN6 protein (p.Arg626Cys). This variant is not present in population databases (gnomAD no frequency). This variant has not been reported in the literature in individuals affected with CLCN6-related conditions. An algorithm developed to predict the effect of missense changes on protein structure and function (PolyPhen-2) suggests that this variant is likely to be disruptive. In summary, the available evidence is currently insufficient to determine the role of this variant in disease. Therefore, it has been classified as a Variant of Uncertain Significance.